The following is an entry in ClinVar:

NM_181784.3(SPRED2):c.603C>A (p.Pro201=)

Gene: SPRED2 (sprouty related EVH1 domain containing 2; minus strand). Cytogenetic location: 2p14.
Variant type: single nucleotide variant.
Coding change: c.603C>A on transcript NM_181784.3 (MANE Select); coding-DNA position 603, C replaced by A.
Protein change: p.Pro201=; no amino-acid change (proline 201 retained).
Molecular consequence: synonymous variant.
Genome position (GRCh38, 1-based): chr2:65,314,155, G>T on the plus strand (C>A on the coding strand, the complement: SPRED2 is on the minus strand). VCF-style: chr2-65314155-G-T. GRCh37 (hg19) VCF-style: chr2-65541289-G-T.
Other names: c.594C>A, p.Pro198= (NM_001128210.2).
Identifiers: ClinVar variation 4822744 (VCV004822744.4).

ClinVar aggregate classification (germline): Likely benign (1 of 4 stars; one submission).

Submission:

CeGaT Center for Human Genetics Tuebingen
Classification: Likely benign. Last evaluated: 2026-07-01. Review status: criteria provided, single submitter. Criteria: CeGaT Center For Human Genetics Tuebingen Variant Classification Criteria Version 2. Collection method: clinical testing. Allele origin: germline. Affected: yes. Observed: 2 variant alleles.
Comment: SPRED2: PM2:Supporting, BP4, BP7